The following is an entry in ClinVar:

ClinVar aggregate classification (germline): Conflicting classifications of pathogenicity. Review status: criteria provided, conflicting classifications (1 of 4 stars). 5 submissions from 5 submitters: Uncertain significance (2); Likely benign (2). 1 of the submissions does not count toward it. Last evaluated 2025-10-21.

Conditions:
Hereditary cancer-predisposing syndrome. Also called: Hereditary Cancer Syndrome; Hereditary neoplastic syndrome; Neoplastic Syndromes, Hereditary; Tumor predisposition. Identifiers: Orphanet 140162, MedGen C0027672, MeSH D009386, MONDO:0015356.
Hereditary breast ovarian cancer syndrome. Also called: BRCA1- and BRCA2-Associated Hereditary Breast and Ovarian Cancer; Hereditary breast and ovarian cancer syndrome; Hereditary breast and ovarian cancer syndrome (HBOC); Breast and ovarian cancer; Hereditary breast and/or ovarian cancer syndrome; Hereditary breast and ovarian cancer. Identifiers: Orphanet 145, MedGen C0677776, MeSH D061325, MONDO:0003582. Disease mechanism: loss of function.
Breast-ovarian cancer, familial, susceptibility to, 1 (BROVCA1). Also called: BRCA1 Hereditary Breast and Ovarian Cancer; OVARIAN CANCER, SUSCEPTIBILITY TO. Identifiers: Orphanet 145, MedGen C2676676, MONDO:0011450, OMIM 604370. Disease mechanism: loss of function.

Allele frequency attached by ClinVar (database versions not stated): gnomAD exomes 0.00001.
gnomAD v4.1: 4 of 1,614,272 alleles (0.00025%); highest among the groups gnomAD compares: Non-Finnish European, 0.00034%; no homozygotes.

Submissions (6):

Labcorp Genetics (formerly Invitae), Labcorp
Classification: Likely benign for Hereditary breast ovarian cancer syndrome. Last evaluated: 2025-10-21. Review status: criteria provided, single submitter. Criteria: Invitae Variant Classification Sherloc (09022015). Collection method: clinical testing. Allele origin: germline.

Ambry Genetics
Classification: Likely benign for Hereditary cancer-predisposing syndrome. Last evaluated: 2021-05-20. Review status: criteria provided, single submitter. Criteria: Ambry Variant Classification Scheme 2023. Collection method: clinical testing. Allele origin: germline.

Color Diagnostics, LLC DBA Color Health
Classification: Uncertain significance for Hereditary cancer-predisposing syndrome. Last evaluated: 2019-04-09. Review status: criteria provided, single submitter. Criteria: ACMG Guidelines, 2015. Collection method: clinical testing. Allele origin: germline.

GeneDx
Classification: Uncertain significance. Last evaluated: 2017-02-09. Review status: criteria provided, single submitter. Criteria: GeneDx Variant Classification (06012015). Collection method: clinical testing. Allele origin: germline. Affected: yes.
Comment: This variant is denoted BRCA1 c.4931A>G at the cDNA level, p.Glu1644Gly (E1644G) at the protein level, and results in the change of a Glutamic Acid to a Glycine (GAA>GGA). Using alternate nomenclature, this variant would be defined as BRCA1 5050A>G. A transcriptional assay in yeast and mammalian cells found that this variant demonstrated transcription activation levels similar to wild type (Carvalho 2007). BRCA1 Glu1644Gly was not observed in approximately 6,500 individuals of European and African American ancestry in the NHLBI Exome Sequencing Project, suggesting it is not a common benign variant in these populations. Since Glutamic Acid and Glycine differ in polarity, charge, size or other properties, this is considered a non-conservative amino acid substitution. BRCA1 Glu1644Gly occurs at a position that is not conserved and is located within the BRCT1 domain and a region known to interact with multiple other proteins (Paul 2014, UniProt). In silico analyses predict that this variant is unlikely to alter protein structure or function. Based on currently available evidence, it is unclear whether BRCA1 Glu1644Gly is a pathogenic or benign variant. We consider it to be a variant of uncertain significance.

Breast Cancer Information Core (BIC) (BRCA1)
Classification: Uncertain significance for Breast-ovarian cancer, familial 1. Last evaluated: 2004-03-30. Review status: no assertion criteria provided. Collection method: clinical testing. Allele origin: germline. Affected: yes. Observed: 1 variant allele. Not counted in ClinVar's aggregate classification.

Brotman Baty Institute, University of Washington
No classification provided (evidence only). Condition: Breast-ovarian cancer, familial 1. Review status: no classification provided. Collection method: in vitro. Allele origin: not applicable. Functional consequence: functionally_normal. Not counted in ClinVar's aggregate classification.
ClinVar note: "not provided" was previously submitted as the classification for the variant. However, the classification appeared to be based only on an observation of functional data so it was converted to no classification on 2025-07-30.

Literature cited by the submitters: PubMed 11389159 (cited by Ambry Genetics); PubMed 17308087 (cited by Ambry Genetics); PubMed 21447777 (cited by Ambry Genetics); PubMed 28781887 (cited by Ambry Genetics); PubMed 30209399 (cited by Ambry Genetics).

NM_007294.4(BRCA1):c.4931A>G (p.Glu1644Gly)

Gene: BRCA1 (BRCA1 DNA repair associated; minus strand). Cytogenetic location: 17q21.31.
Variant type: single nucleotide variant.
Coding change: c.4931A>G on transcript NM_007294.4 (MANE Select); coding-DNA position 4931, A replaced by G.
Protein change: p.Glu1644Gly; replaces glutamic acid 1644 with glycine.
Molecular consequence: missense variant. On other transcripts: non-coding transcript variant (1).
Genome position (GRCh38, 1-based): chr17:43,070,983, T>C on the plus strand (A>G on the coding strand, the complement: BRCA1 is on the minus strand). VCF-style: chr17-43070983-T-C. GRCh37 (hg19) VCF-style: chr17-41223000-T-C.
Other names: c.4664A>G, p.Glu1555Gly (NM_001407927.1, NM_001407928.1, NM_001407929.1 and 4 more transcripts); c.1619A>G, p.Glu540Gly (NM_001407981.1, NM_001407982.1, NM_001407983.1 and 13 more transcripts); c.1499A>G, p.Glu500Gly (NM_001408425.1, NM_001408426.1, NM_001408427.1 and 4 more transcripts); c.1496A>G, p.Glu499Gly (NM_001408432.1, NM_001408433.1, NM_001408434.1 and 10 more transcripts); c.1409A>G, p.Glu470Gly (NM_001408485.1, NM_001408489.1, NM_001408490.1 and 5 more transcripts); c.1406A>G, p.Glu469Gly (NM_001408492.1, NM_001408493.1); c.1382A>G, p.Glu461Gly (NM_001408494.1); c.1376A>G, p.Glu459Gly (NM_001408495.1); and 70 more; short protein forms E1644G, E1597G, E1665G, E540G, E1347G, E1348G, E1517G, E1532G.
Identifiers: ClinVar variation 55318 (VCV000055318.22), dbSNP rs80357016, ClinGen allele CA003082.